The following is an entry in ClinVar:

ClinVar aggregate classification (germline): Uncertain significance. Review status: criteria provided, multiple submitters, no conflicts (2 of 4 stars). 2 submissions from 2 submitters: Uncertain significance (2). Last evaluated 2026-06-22.

Conditions:
MAGEL2-related disorder. Also called: MAGEL2-related condition.

Submissions (2):

PreventionGenetics, part of Exact Sciences
Classification: Uncertain significance for MAGEL2-related condition. Last evaluated: 2026-06-22. Review status: criteria provided, single submitter. Criteria: ACMG Guidelines, 2015. Collection method: clinical testing. Allele origin: germline.
Comment: The MAGEL2 c.1033A>T variant is predicted to result in the amino acid substitution p.Ile345Leu. To our knowledge, this variant has not been reported in the literature. This variant is reported in 0.0041% of alleles in individuals of Latino descent in gnomAD. At this time, the clinical significance of this variant is uncertain due to the absence of conclusive functional and genetic evidence.

Labcorp Genetics (formerly Invitae), Labcorp
Classification: Uncertain significance. Last evaluated: 2025-08-14. Review status: criteria provided, single submitter. Criteria: Invitae Variant Classification Sherloc (09022015). Collection method: clinical testing. Allele origin: germline.
Comment: This sequence change replaces isoleucine, which is neutral and non-polar, with leucine, which is neutral and non-polar, at codon 345 of the MAGEL2 protein (p.Ile345Leu). This variant is present in population databases (no rsID available, gnomAD 0.004%). This variant has not been reported in the literature in individuals affected with MAGEL2-related conditions. Experimental studies and prediction algorithms are not available or were not evaluated, and the functional significance of this variant is currently unknown. In summary, the available evidence is currently insufficient to determine the role of this variant in disease. Therefore, it has been classified as a Variant of Uncertain Significance.

NM_019066.5(MAGEL2):c.1033A>T (p.Ile345Leu)

Gene: MAGEL2 (MAGE family member L2; minus strand). Cytogenetic location: 15q11.2.
Variant type: single nucleotide variant.
Coding change: c.1033A>T on transcript NM_019066.5 (MANE Select); coding-DNA position 1033, A replaced by T.
Protein change: p.Ile345Leu; replaces isoleucine 345 with leucine.
Molecular consequence: missense variant.
Genome position (GRCh38, 1-based): chr15:23,646,710, T>A on the plus strand (A>T on the coding strand, the complement: MAGEL2 is on the minus strand). VCF-style: chr15-23646710-T-A. GRCh37 (hg19) VCF-style: chr15-23891857-T-A.
Other names: c.1033A>T (NM_019066.4); short protein forms I345L.
Identifiers: ClinVar variation 4695433 (VCV004695433.2).